The following is an entry in ClinVar:

NM_002471.4(MYH6):c.4960-3C>T

Genes: MYH6 (myosin heavy chain 6; minus strand), LOC126861896 (BRD4-independent group 4 enhancer GRCh37_chr14:23854904-23856103; plus strand). Cytogenetic location: 14q11.2.
Variant type: single nucleotide variant.
Coding change: c.4960-3C>T on transcript NM_002471.4 (MANE Select); 3 bases into the intron before coding-DNA position 4960, C replaced by T.
Molecular consequence: intron variant.
Genome position (GRCh38, 1-based): chr14:23,386,134, G>A on the plus strand (C>T on the coding strand, the complement: MYH6 is on the minus strand). VCF-style: chr14-23386134-G-A. GRCh37 (hg19) VCF-style: chr14-23855343-G-A.
Identifiers: ClinVar variation 1022402 (VCV001022402.13), dbSNP rs1469231532, ClinGen allele CA613317811.

ClinVar aggregate classification (germline): Conflicting classifications of pathogenicity. Review status: criteria provided, conflicting classifications (1 of 4 stars). 4 submissions from 4 submitters: Uncertain significance (3); Likely benign (1). Last evaluated 2025-12-15.

Conditions:
Cardiovascular phenotype. Identifiers: MedGen CN230736.
Hypertrophic cardiomyopathy 14. Identifiers: MedGen C2750467, MONDO:0013197, OMIM 613251.

Allele frequency attached by ClinVar (database versions not stated): gnomAD exomes below 0.00001 and 0.00001; gnomAD 0.00001; TOPMed 0.00001.
gnomAD v4.1: 12 of 1,614,106 alleles (0.00074%); highest among the groups gnomAD compares: South Asian, 0.0011%; no homozygotes.

Submissions (4):

Women's Health and Genetics/Laboratory Corporation of America, LabCorp
Classification: Uncertain significance. Last evaluated: 2025-12-15. Review status: criteria provided, single submitter. Criteria: LabCorp Variant Classification Summary - May 2015. Collection method: clinical testing. Allele origin: germline.

Blueprint Genetics
Classification: Likely benign. Last evaluated: 2022-04-29. Review status: criteria provided, single submitter. Criteria: ACMG Guidelines, 2015. Collection method: clinical testing. Allele origin: germline.

Ambry Genetics
Classification: Uncertain significance for Cardiovascular phenotype. Last evaluated: 2022-02-03. Review status: criteria provided, single submitter. Criteria: Ambry Variant Classification Scheme 2023. Collection method: clinical testing. Allele origin: germline.
Comment: The c.4960-3C>T intronic variant results from a C to T substitution 3 nucleotides upstream from coding exon 32 in the MYH6 gene. This nucleotide position is well conserved in available vertebrate species. In silico splice site analysis predicts that this alteration will not have any significant effect on splicing. Since supporting evidence is limited at this time, the clinical significance of this alteration remains unclear.

Labcorp Genetics (formerly Invitae), Labcorp
Classification: Uncertain significance for Hypertrophic cardiomyopathy 14. Last evaluated: 2020-04-23. Review status: criteria provided, single submitter. Criteria: Invitae Variant Classification Sherloc (09022015). Collection method: clinical testing. Allele origin: germline.
Comment: In summary, the available evidence is currently insufficient to determine the role of this variant in disease. Therefore, it has been classified as a Variant of Uncertain Significance. Nucleotide substitutions within the consensus splice site are a relatively common cause of aberrant splicing (PMID: 17576681, 9536098). Algorithms developed to predict the effect of sequence changes on RNA splicing suggest that this variant is not likely to affect RNA splicing, but this prediction has not been confirmed by published transcriptional studies. This variant has not been reported in the literature in individuals with MYH6-related conditions. This variant is not present in population databases (ExAC no frequency). This sequence change falls in intron 33 of the MYH6 gene. It does not directly change the encoded amino acid sequence of the MYH6 protein, but it affects a nucleotide within the consensus splice site of the intron.

Literature cited by the submitters: PubMed 17576681 (cited by Labcorp Genetics (formerly Invitae), Labcorp); PubMed 9536098 (cited by Labcorp Genetics (formerly Invitae), Labcorp).